The following is an entry in ClinVar:

ClinVar aggregate classification (germline): Uncertain significance (1 of 4 stars; one submission).

Submission:

GeneDx
Classification: Uncertain significance. Last evaluated: 2022-08-15. Review status: criteria provided, single submitter. Criteria: GeneDx Variant Classification Process June 2021. Collection method: clinical testing. Allele origin: germline. Affected: yes.
Comment: Not observed at significant frequency in large population cohorts (gnomAD); In silico analysis supports that this missense variant has a deleterious effect on protein structure/function; Has not been previously published as pathogenic or benign to our knowledge

NM_007325.5(GRIA3):c.2116A>G (p.Met706Val)

Gene: GRIA3 (glutamate ionotropic receptor AMPA type subunit 3; plus strand). Cytogenetic location: Xq25.
Variant type: single nucleotide variant.
Coding change: c.2116A>G on transcript NM_007325.5 (MANE Select); coding-DNA position 2116, A replaced by G.
Protein change: p.Met706Val; replaces methionine 706 with valine.
Molecular consequence: missense variant.
Genome position (GRCh38, 1-based): chrX:123,464,904, A>G. VCF-style: chrX-123464904-A-G. GRCh37 (hg19) VCF-style: chrX-122598755-A-G.
Other names: c.2116A>G, p.Met706Val (NM_000828.5); short protein forms M706V.
Identifiers: ClinVar variation 2430402 (VCV002430402.1), dbSNP rs1569441235, ClinGen allele CA414264692.
Genomic context (GRCh38, chrX:123,464,904, plus strand): 5'-ATTCTTATCTCTTTGGTGCAGAGATCCAAAATTGCTGTGTACGAGAAAATGTGGTCTTAC[A>G]TGAAATCAGCGGAGCCATCTGTGTTTACCAAAACAACAGCAGACGGAGTGGCCCGAGTGC-3'
Protein context (NP_015564.5, residues 696-716): IAVYEKMWSY[Met706Val]KSAEPSVFTK